The following is an entry in ClinVar:

NM_002335.4(LRP5):c.4297G>A (p.Val1433Met)

Gene: LRP5 (LDL receptor related protein 5; plus strand). Cytogenetic location: 11q13.2.
Variant type: single nucleotide variant.
Coding change: c.4297G>A on transcript NM_002335.4 (MANE Select); coding-DNA position 4297, G replaced by A.
Protein change: p.Val1433Met; replaces valine 1433 with methionine.
Molecular consequence: missense variant.
Genome position (GRCh38, 1-based): chr11:68,438,631, G>A. VCF-style: chr11-68438631-G-A. GRCh37 (hg19) VCF-style: chr11-68206099-G-A.
Other names: c.2554G>A, p.Val852Met (NM_001291902.2); c.4297G>A (NM_002335.2, NM_002335.3); short protein forms V1433M, V852M.
Identifiers: ClinVar variation 1124051 (VCV001124051.14), dbSNP rs199871539, ClinGen allele CA6150309.

ClinVar aggregate classification (germline): Conflicting classifications of pathogenicity. Review status: criteria provided, conflicting classifications (1 of 4 stars). 5 submissions from 5 submitters: Uncertain significance (1); Likely benign (3). 1 of the submissions does not count toward it. Last evaluated 2025-07-16.

Conditions:
Exudative vitreoretinopathy 4 (EVR4). Identifiers: Orphanet 891, MedGen C1866176, MONDO:0011151, OMIM 601813.
Autosomal dominant osteopetrosis 1 (OPTA1). Also called: OSTEOPETROSIS, AUTOSOMAL DOMINANT, TYPE I. Identifiers: Orphanet 2783, MedGen C1843330, MONDO:0011877, OMIM 607634.
Osteoporosis with pseudoglioma (OPPG). Also called: osteoporosis-pseudoglioma syndrome. Identifiers: Orphanet 2788, MedGen C0432252, MONDO:0009820, OMIM 259770.
Bone mineral density quantitative trait locus 1 (BMND1). Identifiers: MedGen C1866079, OMIM 601884.
Osteoporosis. Identifiers: MedGen C0029456, MONDO:0005298, OMIM 166710, HP:0000939.
Worth disease. Also called: ENDOSTEAL HYPEROSTOSIS, AUTOSOMAL DOMINANT; OSTEOSCLEROSIS, AUTOSOMAL DOMINANT; Autosomal dominant osteosclerosis, Worth type. Identifiers: Orphanet 2790, MedGen C0432273, MONDO:0007764, OMIM 144750.
Exudative vitreoretinopathy 1 (EVR1). Also called: FEVR, AUTOSOMAL DOMINANT; Familial exudative vitreoretinopathy, autosomal dominant; CRISWICK-SCHEPENS SYNDROME. Identifiers: Orphanet 891, Orphanet 90050, MedGen C1851402, MONDO:0007589, OMIM 133780.
Polycystic liver disease 4 with or without kidney cysts. Identifiers: MedGen C4693479, MONDO:0044327, OMIM 617875.
LRP5-related disorder. Also called: LRP5-related condition.

Allele frequency attached by ClinVar (database versions not stated): gnomAD 0.00003; ExAC 0.00021.
gnomAD v4.1: 65 of 1,613,630 alleles (0.004%); highest among the groups gnomAD compares: East Asian, 0.087%; no homozygotes.

Submissions (5):

GeneDx
Classification: Uncertain significance. Last evaluated: 2025-07-16. Review status: criteria provided, single submitter. Criteria: GeneDx Variant Classification Process June 2021. Collection method: clinical testing. Allele origin: germline. Affected: yes.
Comment: Identified in a patient and parent with dental anomalies in published literature (PMID: 35754005); Identified in a patient with an inherited retinal disorder in published literature (PMID: 33608557); In silico analysis suggests that this missense variant does not alter protein structure/function; This variant is associated with the following publications: (PMID: 33608557, 35754005)

Labcorp Genetics (formerly Invitae), Labcorp
Classification: Likely benign. Last evaluated: 2025-05-01. Review status: criteria provided, single submitter. Criteria: Invitae Variant Classification Sherloc (09022015). Collection method: clinical testing. Allele origin: germline.

Blueprint Genetics
Classification: Likely benign. Last evaluated: 2022-11-11. Review status: criteria provided, single submitter. Criteria: ACMG Guidelines, 2015. Collection method: clinical testing. Allele origin: germline.

Fulgent Genetics
Classification: Likely benign for Exudative vitreoretinopathy 1; Worth disease; Osteoporosis; Osteoporosis with pseudoglioma; Exudative vitreoretinopathy 4; Bone mineral density quantitative trait locus 1; Autosomal dominant osteopetrosis 1; Polycystic liver disease 4 with or without kidney cysts. Last evaluated: 2021-09-08. Review status: criteria provided, single submitter. Criteria: ACMG Guidelines, 2015. Collection method: clinical testing. Allele origin: unknown.

PreventionGenetics, part of Exact Sciences
Classification: Likely benign for LRP5-related condition. Last evaluated: 2023-01-19. Review status: no assertion criteria provided. Collection method: clinical testing. Allele origin: germline. Not counted in ClinVar's aggregate classification.
Comment: This variant is classified as likely benign based on ACMG/AMP sequence variant interpretation guidelines (Richards et al. 2015 PMID: 25741868, with internal and published modifications).